The following is an entry in ClinVar:

NM_001283009.2(RTEL1):c.565A>T (p.Ser189Cys)

Genes: RTEL1 (regulator of telomere elongation helicase 1; plus strand), RTEL1-TNFRSF6B (RTEL1-TNFRSF6B readthrough (NMD candidate); plus strand). Cytogenetic location: 20q13.33.
Variant type: single nucleotide variant.
Coding change: c.565A>T on transcript NM_001283009.2 (MANE Select); coding-DNA position 565, A replaced by T.
Protein change: p.Ser189Cys; replaces serine 189 with cysteine.
Molecular consequence: missense variant. On other transcripts: non-coding transcript variant (1), 5 prime UTR variant (1).
Genome position (GRCh38, 1-based): chr20:63,666,030, A>T. VCF-style: chr20-63666030-A-T. GRCh37 (hg19) VCF-style: chr20-62297383-A-T.
Other names: c.-105A>T (NM_001283010.1); c.565A>T, p.Ser189Cys (NM_016434.4); c.637A>T, p.Ser213Cys (NM_032957.5); short protein forms S189C, S213C.
Identifiers: ClinVar variation 3791129 (VCV003791129.1).

ClinVar aggregate classification (germline): Uncertain significance (1 of 4 stars; one submission).

Conditions:
Inborn genetic diseases. Identifiers: MedGen C0950123, MeSH D030342.

Submission:

Ambry Genetics
Classification: Uncertain significance for Inborn genetic diseases. Last evaluated: 2025-02-08. Review status: criteria provided, single submitter. Criteria: Ambry Variant Classification Scheme 2023. Collection method: clinical testing. Allele origin: germline.
Comment: The p.S189C variant (also known as c.565A>T), located in coding exon 6 of the RTEL1 gene, results from an A to T substitution at nucleotide position 565. The serine at codon 189 is replaced by cysteine, an amino acid with dissimilar properties. This amino acid position is conserved. In addition, this alteration is predicted to be tolerated by in silico analysis. Based on the available evidence, the clinical significance of this variant remains unclear.